The following is an entry in ClinVar:

NM_001012267.3(CENPP):c.637C>T (p.Arg213Trp)

Gene: CENPP (centromere protein P; plus strand). Cytogenetic location: 9q22.31.
Variant type: single nucleotide variant.
Coding change: c.637C>T on transcript NM_001012267.3 (MANE Select); coding-DNA position 637, C replaced by T.
Protein change: p.Arg213Trp; replaces arginine 213 with tryptophan.
Molecular consequence: missense variant.
Genome position (GRCh38, 1-based): chr9:92,611,386, C>T. VCF-style: chr9-92611386-C-T. GRCh37 (hg19) VCF-style: chr9-95373668-C-T.
Other names: c.301C>T, p.Arg101Trp (NM_001286969.1); c.118C>T, p.Arg40Trp (NM_001286971.1); short protein forms R101W, R213W, R40W.
Identifiers: ClinVar variation 3053542 (VCV003053542.2), dbSNP rs144646695, ClinGen allele CA5125592.
Genomic context (GRCh38, chr9:92,611,386, plus strand): 5'-GATGCCGTGTACCTCTCGGAGGGGCCCTCCTCCTGCTCCATGGGGATCCGCAGCGCCAGC[C>T]GGCCAGGGTGAGCCTGCACAGGCCATGGGGCCTCCCATTTCCTGTTCAAACAAGGATTCC-3'
Protein context (NP_001012267.1, residues 203-223): SCSMGIRSAS[Arg213Trp]PGFELVIVWR

ClinVar aggregate classification (germline): Likely benign (0 of 4 stars; one submission).

Conditions:
CENPP-related disorder. Also called: CENPP-related condition.

Allele frequency attached by ClinVar (database versions not stated): 1000 Genomes Project 0.00020; 1000 Genomes Project 30x 0.00031; ESP Exome Variant Server 0.00131.
gnomAD v4.1: 3,268 of 1,612,750 alleles (0.2%); highest among the groups gnomAD compares: Non-Finnish European, 0.25%; 5 homozygotes.

Submission:

PreventionGenetics, part of Exact Sciences
Classification: Likely benign for CENPP-related condition. Last evaluated: 2022-04-06. Review status: no assertion criteria provided. Collection method: clinical testing. Allele origin: germline.
Comment: This variant is classified as likely benign based on ACMG/AMP sequence variant interpretation guidelines (Richards et al. 2015 PMID: 25741868, with internal and published modifications).